The following is an entry in ClinVar:

ClinVar aggregate classification (germline): Benign. Review status: criteria provided, multiple submitters, no conflicts (2 of 4 stars). 2 submissions from 2 submitters: Benign (2). Last evaluated 2024-01-24.

Allele frequency attached by ClinVar (database versions not stated): 1000 Genomes Project 0.29273; gnomAD 0.30298 and 0.31073; 1000 Genomes Project 30x 0.30528; TOPMed 0.32316.
gnomAD v4.1: 45,952 of 151,910 alleles (30%); highest among the groups gnomAD compares: African/African-American, 53%; 8,723 homozygotes.

Submissions (2):

Unidad de Genómica Garrahan, Hospital de Pediatría Garrahan
Classification: Benign. Last evaluated: 2024-01-24. Review status: criteria provided, single submitter. Criteria: ACMG Guidelines, 2015. Collection method: clinical testing. Allele origin: germline. Affected: no. Observed: 41 variant alleles.
Comment: This variant is classified as Benign based on local population frequency. This variant was detected in 47% of patients studied by a panel of primary immunodeficiencies. Number of patients: 41. Only high quality variants are reported.

GeneDx
Classification: Benign. Last evaluated: 2021-05-11. Review status: criteria provided, single submitter. Criteria: GeneDx Variant Classification Process June 2021. Collection method: clinical testing. Allele origin: germline. Affected: yes.

NM_003467.3(CXCR4):c.16-522T>C

Gene: CXCR4 (C-X-C motif chemokine receptor 4; minus strand). Cytogenetic location: 2q22.1.
Variant type: single nucleotide variant.
Coding change: c.16-522T>C on transcript NM_003467.3 (MANE Select); 522 bases into the intron before coding-DNA position 16, T replaced by C.
Molecular consequence: intron variant.
Genome position (GRCh38, 1-based): chr2:136,116,434, A>G on the plus strand (T>C on the coding strand, the complement: CXCR4 is on the minus strand). VCF-style: chr2-136116434-A-G. GRCh37 (hg19) VCF-style: chr2-136874004-A-G.
Other names: c.114+156T>C (NM_001348059.2); c.228+42T>C (NM_001348056.2); c.-30-522T>C (NM_001348060.2).
Identifiers: ClinVar variation 1279307 (VCV001279307.3), dbSNP rs2471859, ClinGen allele CA11303955.